The following is an entry in ClinVar:

NM_025265.4(TSEN2):c.189+4A>G

Gene: TSEN2 (tRNA splicing endonuclease subunit 2; plus strand). Cytogenetic location: 3p25.2.
Variant type: single nucleotide variant.
Coding change: c.189+4A>G on transcript NM_025265.4 (MANE Select); 4 bases into the intron after coding-DNA position 189, A replaced by G.
Molecular consequence: intron variant.
Genome position (GRCh38, 1-based): chr3:12,489,993, A>G. VCF-style: chr3-12489993-A-G. GRCh37 (hg19) VCF-style: chr3-12531492-A-G.
Other names: c.189+4A>G (NM_001321278.2, NM_001321279.2, NM_001145392.2 and 3 more transcripts).
Identifiers: ClinVar variation 4813913 (VCV004813913.2).
Genomic context (GRCh38, chr3:12,489,993, plus strand): 5'-ATTAACAACAATGTGATTGTGAGGAATGCGGAGGACATTGAGCAGCTCTATGGGAAAGTA[A>G]GTGCAGGCAGCCTTGGTAAGATTACTTTCAGACAACCCTGAGCAAGCAGTCCTTTCCTTC-3'

ClinVar aggregate classification (germline): Uncertain significance. Review status: criteria provided, multiple submitters, no conflicts (2 of 4 stars). 2 submissions from 2 submitters: Uncertain significance (2). Last evaluated 2025-09-22.

gnomAD v4.1: 45 of 1,614,048 alleles (0.0028%); highest among the groups gnomAD compares: South Asian, 0.015%; no homozygotes.

Submissions (2):

GeneDx
Classification: Uncertain significance. Last evaluated: 2025-09-22. Review status: criteria provided, single submitter. Criteria: GeneDx Variant Classification Process June 2021. Collection method: clinical testing. Allele origin: germline. Affected: yes.
Comment: In silico analysis supports a deleterious effect on splicing; Has not been previously published as pathogenic or benign to our knowledge

Blueprint Genetics
Classification: Uncertain significance. Last evaluated: 2024-09-09. Review status: criteria provided, single submitter. Criteria: ACMG Guidelines, 2015. Collection method: clinical testing. Allele origin: germline.